The following is an entry in ClinVar:

NM_001297.5(CNGB1):c.3243-9T>G

Gene: CNGB1 (cyclic nucleotide gated channel subunit beta 1; minus strand). Cytogenetic location: 16q21.
Variant type: single nucleotide variant.
Coding change: c.3243-9T>G on transcript NM_001297.5 (MANE Select); 9 bases into the intron before coding-DNA position 3243, T replaced by G.
Molecular consequence: intron variant.
Genome position (GRCh38, 1-based): chr16:57,888,083, A>C on the plus strand (T>G on the coding strand, the complement: CNGB1 is on the minus strand). VCF-style: chr16-57888083-A-C. GRCh37 (hg19) VCF-style: chr16-57921987-A-C.
Other names: c.3225-9T>G (NM_001286130.2).
Identifiers: ClinVar variation 2021201 (VCV002021201.4), dbSNP rs2544603391, ClinGen allele CA2580091770.

ClinVar aggregate classification (germline): Uncertain significance (1 of 4 stars; one submission).

Submission:

Labcorp Genetics (formerly Invitae), Labcorp
Classification: Uncertain significance. Last evaluated: 2022-08-02. Review status: criteria provided, single submitter. Criteria: Invitae Variant Classification Sherloc (09022015). Collection method: clinical testing. Allele origin: germline.
Comment: This sequence change falls in intron 31 of the CNGB1 gene. It does not directly change the encoded amino acid sequence of the CNGB1 protein. This variant is not present in population databases (gnomAD no frequency). This variant has not been reported in the literature in individuals affected with CNGB1-related conditions. Algorithms developed to predict the effect of sequence changes on RNA splicing suggest that this variant may create or strengthen a splice site. In summary, the available evidence is currently insufficient to determine the role of this variant in disease. Therefore, it has been classified as a Variant of Uncertain Significance.